The following is an entry in ClinVar:

NM_144991.3(TSPEAR):c.250C>T (p.Pro84Ser)

Gene: TSPEAR (thrombospondin type laminin G domain and EAR repeats; minus strand). Cytogenetic location: 21q22.3.
Variant type: single nucleotide variant.
Coding change: c.250C>T on transcript NM_144991.3 (MANE Select); coding-DNA position 250, C replaced by T.
Protein change: p.Pro84Ser; replaces proline 84 with serine.
Molecular consequence: missense variant.
Genome position (GRCh38, 1-based): chr21:44,567,838, G>A on the plus strand (C>T on the coding strand, the complement: TSPEAR is on the minus strand). VCF-style: chr21-44567838-G-A. GRCh37 (hg19) VCF-style: chr21-45987722-G-A.
Other names: c.46C>T, p.Pro16Ser (NM_001272037.2); short protein forms P16S, P84S.
Identifiers: ClinVar variation 2430640 (VCV002430640.3), dbSNP rs140976669, ClinGen allele CA10058058.

ClinVar aggregate classification (germline): Uncertain significance. Review status: criteria provided, multiple submitters, no conflicts (2 of 4 stars). 2 submissions from 2 submitters: Uncertain significance (2). Last evaluated 2026-05-15.

Conditions:
TSPEAR-related disorder. Also called: TSPEAR-related condition.

Allele frequency attached by ClinVar (database versions not stated): gnomAD exomes 0.00001; ExAC 0.00004; TOPMed 0.00006; gnomAD 0.00008; ESP Exome Variant Server 0.00015; 1000 Genomes Project 30x 0.00016; 1000 Genomes Project 0.00020.
gnomAD v4.1: 27 of 1,606,318 alleles (0.0017%); highest among the groups gnomAD compares: African/African-American, 0.028%; no homozygotes.

Submissions (2):

GeneDx
Classification: Uncertain significance. Last evaluated: 2026-05-15. Review status: criteria provided, single submitter. Criteria: GeneDx Variant Classification Process June 2021. Collection method: clinical testing. Allele origin: germline.
Comment: In silico analysis supports that this missense variant has a deleterious effect on protein structure/function; Has not been previously published as pathogenic or benign to our knowledge

PreventionGenetics, part of Exact Sciences
Classification: Uncertain significance for TSPEAR-related condition. Last evaluated: 2025-12-12. Review status: criteria provided, single submitter. Criteria: ACMG Guidelines, 2015. Collection method: clinical testing. Allele origin: germline.
Comment: The TSPEAR c.250C>T variant is predicted to result in the amino acid substitution p.Pro84Ser. To our knowledge, this variant has not been reported in the literature. This variant is reported in 0.032% of alleles in individuals of African descent in gnomAD. At this time, the clinical significance of this variant is uncertain due to the absence of conclusive functional and genetic evidence.